The following is an entry in ClinVar:

ClinVar aggregate classification (germline): Benign/Likely benign. Review status: criteria provided, multiple submitters, no conflicts (2 of 4 stars). 4 submissions from 4 submitters: Benign (1); Likely benign (3). Last evaluated 2026-01-25.

Conditions:
Familial thoracic aortic aneurysm and aortic dissection (TAAD). Also called: Thoracic aortic aneurysms and dissections. Identifiers: Orphanet 91387, MedGen C4707243, MONDO:0019625.
NOTCH1-related disorder. Also called: NOTCH1-related condition; NOTCH1-related disorders.
Adams-Oliver syndrome 5 (AOS5). Identifiers: Orphanet 974, MedGen C4014970, MONDO:0014459, OMIM 616028.

Allele frequency attached by ClinVar (database versions not stated): gnomAD exomes 0.00003; gnomAD 0.00004; TOPMed 0.00006; ExAC 0.00014.
gnomAD v4.1: 42 of 1,566,446 alleles (0.0027%); highest among the groups gnomAD compares: South Asian, 0.037%; 1 homozygote.

Submissions (4):

Labcorp Genetics (formerly Invitae), Labcorp
Classification: Benign for Adams-Oliver syndrome 5. Last evaluated: 2026-01-25. Review status: criteria provided, single submitter. Criteria: Invitae Variant Classification Sherloc (09022015). Collection method: clinical testing. Allele origin: germline.

PreventionGenetics, part of Exact Sciences
Classification: Likely benign for NOTCH1-related condition. Last evaluated: 2025-02-22. Review status: criteria provided, single submitter. Criteria: ACMG Guidelines, 2015. Collection method: clinical testing. Allele origin: germline.
Comment: This variant is classified as likely benign based on ACMG/AMP sequence variant interpretation guidelines (Richards et al. 2015 PMID: 25741868, with internal and published modifications).

Ambry Genetics
Classification: Likely benign for Familial thoracic aortic aneurysm and aortic dissection. Last evaluated: 2021-01-25. Review status: criteria provided, single submitter. Criteria: Ambry Variant Classification Scheme 2023. Collection method: clinical testing. Allele origin: germline.

GeneDx
Classification: Likely benign. Last evaluated: 2017-01-20. Review status: criteria provided, single submitter. Criteria: GeneDx Variant Classification (06012015). Collection method: clinical testing. Allele origin: germline. Affected: yes.
Comment: This variant is considered likely benign or benign based on one or more of the following criteria: it is a conservative change, it occurs at a poorly conserved position in the protein, it is predicted to be benign by multiple in silico algorithms, and/or has population frequency not consistent with disease.

NM_017617.5(NOTCH1):c.540C>T (p.Asn180=)

Gene: NOTCH1 (notch receptor 1; minus strand). Cytogenetic location: 9q34.3.
Variant type: single nucleotide variant.
Coding change: c.540C>T on transcript NM_017617.5 (MANE Select); coding-DNA position 540, C replaced by T.
Protein change: p.Asn180=; no amino-acid change (asparagine 180 retained).
Molecular consequence: synonymous variant.
Genome position (GRCh38, 1-based): chr9:136,523,052, G>A on the plus strand (C>T on the coding strand, the complement: NOTCH1 is on the minus strand). VCF-style: chr9-136523052-G-A. GRCh37 (hg19) VCF-style: chr9-139417504-G-A.
Other names: c.540C>T (NM_017617.4); c.540C>T, p.Asn180= (LRG_1122t1).
Identifiers: ClinVar variation 506744 (VCV000506744.6), dbSNP rs760162406, ClinGen allele CA5342133.